The following is an entry in ClinVar:

ClinVar aggregate classification (germline): Benign. Review status: reviewed by expert panel (3 of 4 stars). 8 submissions from 8 submitters: Benign (1). 7 of the submissions do not count toward it. Last evaluated 2024-07-29.

Conditions:
T-cell immunodeficiency, congenital alopecia, and nail dystrophy. Also called: Congenital alopecia and nail dystrophy associated with severe functional T-cell immunodeficiency; Pignata Guarino syndrome. Identifiers: Orphanet 169095, MedGen C1866426, MONDO:0011132, OMIM 601705.

Allele frequency attached by ClinVar (database versions not stated): ESP Exome Variant Server 0.05813; gnomAD 0.07832 and 0.08122; TOPMed 0.08623; gnomAD exomes 0.08992 and 0.11000; ExAC 0.10161; 1000 Genomes Project 0.10683; 1000 Genomes Project 30x 0.10728.

Submissions (8):

ClinGen Severe Combined Immunodeficiency Variant Curation Expert Panel, ClinGen
Classification: Benign for T-cell immunodeficiency, congenital alopecia, and nail dystrophy. Last evaluated: 2024-07-29. Review status: reviewed by expert panel. Criteria: ClinGen SCID ACMG Specifications FOXN1 V1.0.0. Collection method: curation. Allele origin: germline. Inheritance: Semidominant inheritance.
Comment: The variant NM_001369369.1(FOXN1):c.205C>T is predicted to cause an arginine to cysteine substitution at amino acid position 69. After a comprehensive literature search, the variant has not been identified in any individuals with T-cell immunodeficiency, congenital alopecia, and nail dystrophy. The variant has a gnomAD popmax filtering allele frequency of 0.2496 based upon the Latino population, which is greater than 0.00447 and thus meets BA1. Additionally, the in-silico meta predictor REVEL suggests the variant has no effect on gene function with a score of 0.277, which is less than 0.290 and thus meets BP4. The variant is associated with the following publication: PMID:18006695. In summary, this variant meets criteria to be classified as benign for semidominant T-cell immunodeficiency, congenital alopecia, and nail dystrophy based on the ACMG/AMP criteria applied, as specified by the ClinGen SCID VCEP: BP4 and BA1.

Labcorp Genetics (formerly Invitae), Labcorp
Classification: Benign for T-cell immunodeficiency, congenital alopecia, and nail dystrophy. Last evaluated: 2026-02-04. Review status: criteria provided, single submitter. Criteria: Invitae Variant Classification Sherloc (09022015). Collection method: clinical testing. Allele origin: germline. Not counted in ClinVar's aggregate classification.

Unidad de Genómica Garrahan, Hospital de Pediatría Garrahan
Classification: Benign. Last evaluated: 2024-01-24. Review status: criteria provided, single submitter. Criteria: ACMG Guidelines, 2015. Collection method: clinical testing. Allele origin: germline. Affected: no. Observed: 34 variant alleles. Not counted in ClinVar's aggregate classification.
Comment: This variant is classified as Benign based on local population frequency. This variant was detected in 36% of patients studied by a panel of primary immunodeficiencies. Number of patients: 34. Only high quality variants are reported.

Mayo Clinic Laboratories, Mayo Clinic
Classification: Benign. Last evaluated: 2018-05-25. Review status: criteria provided, single submitter. Criteria: ACMG Guidelines, 2015. Collection method: clinical testing. Allele origin: germline. Observed: 17 variant alleles. Not counted in ClinVar's aggregate classification.

Illumina Laboratory Services, Illumina
Classification: Benign for T-cell immunodeficiency, congenital alopecia, and nail dystrophy. Last evaluated: 2018-01-13. Review status: criteria provided, single submitter. Criteria: ICSL Variant Classification Criteria 13 December 2019. Collection method: clinical testing. Allele origin: germline. Not counted in ClinVar's aggregate classification.
Comment: This variant was observed in the ICSL laboratory as part of a predisposition screen in an ostensibly healthy population. It had not been previously curated by ICSL or reported in the Human Gene Mutation Database (HGMD: prior to June 1st, 2018), and was therefore a candidate for classification through an automated scoring system. Utilizing variant allele frequency, disease prevalence and penetrance estimates, and inheritance mode, an automated score was calculated to assess if this variant is too frequent to cause the disease. Based on the score and internal cut-off values, a variant classified as benign is not then subjected to further curation. The score for this variant resulted in a classification of benign for this disease.

Laboratory for Molecular Medicine, Mass General Brigham Personalized Medicine
Classification: Benign. Last evaluated: 2016-03-28. Review status: criteria provided, single submitter. Criteria: LMM Criteria. Collection method: clinical testing. Allele origin: germline. Not counted in ClinVar's aggregate classification.
Comment: Variant identified in a genome or exome case(s) and assessed due to predicted null impact of the variant or pathogenic assertions in the literature or databases. Disclaimer: This variant has not undergone full assessment. The following are preliminary notes: Frequency

GeneDx
Classification: Benign. Last evaluated: 2015-11-25. Review status: criteria provided, single submitter. Criteria: GeneDx Variant Classification (06012015). Collection method: clinical testing. Allele origin: germline. Affected: yes. Not counted in ClinVar's aggregate classification.
Comment: This variant is considered likely benign or benign based on one or more of the following criteria: it is a conservative change, it occurs at a poorly conserved position in the protein, it is predicted to be benign by multiple in silico algorithms, and/or has population frequency not consistent with disease.

Breakthrough Genomics
Classification: Benign. Review status: criteria provided, single submitter. Criteria: ACMG Guidelines, 2015. Collection method: not provided. Allele origin: germline. Inheritance: Autosomal recessive inheritance. Affected: yes. Not counted in ClinVar's aggregate classification.

NM_001369369.1(FOXN1):c.205C>T (p.Arg69Cys)

Gene: FOXN1 (forkhead box N1; plus strand). Cytogenetic location: 17q11.2.
Variant type: single nucleotide variant.
Coding change: c.205C>T on transcript NM_001369369.1 (MANE Select); coding-DNA position 205, C replaced by T.
Protein change: p.Arg69Cys; replaces arginine 69 with cysteine.
Molecular consequence: missense variant.
Genome position (GRCh38, 1-based): chr17:28,524,584, C>T. VCF-style: chr17-28524584-C-T. GRCh37 (hg19) VCF-style: chr17-26851602-C-T.
Other names: NM_001369369.1(FOXN1):c.205C>T; c.205C>T, p.Arg69Cys (NM_003593.3); short protein forms R69C.
Identifiers: ClinVar variation 322414 (VCV000322414.21), dbSNP rs2071587, ClinGen allele CA8459177.